The following is an entry in ClinVar:

ClinVar aggregate classification (germline): Uncertain significance (1 of 4 stars; one submission).

Conditions:
Cystic fibrosis (CF). Also called: MUCOVISCIDOSIS. Identifiers: Orphanet 586, MedGen C0010674, MONDO:0009061, OMIM 219700. Disease mechanism: loss of function.

Submission:

Labcorp Genetics (formerly Invitae), Labcorp
Classification: Uncertain significance for Cystic fibrosis. Last evaluated: 2021-06-28. Review status: criteria provided, single submitter. Criteria: Invitae Variant Classification Sherloc (09022015). Collection method: clinical testing. Allele origin: germline.
Comment: In summary, the available evidence is currently insufficient to determine the role of this variant in disease. Therefore, it has been classified as a Variant of Uncertain Significance. Algorithms developed to predict the effect of missense changes on protein structure and function are either unavailable or do not agree on the potential impact of this missense change (SIFT: "Deleterious"; PolyPhen-2: "Probably Damaging"; Align-GVGD: "Class C0"). This variant has not been reported in the literature in individuals affected with CFTR-related conditions. This variant is not present in population databases (ExAC no frequency). This sequence change replaces aspartic acid with asparagine at codon 835 of the CFTR protein (p.Asp835Asn). The aspartic acid residue is moderately conserved and there is a small physicochemical difference between aspartic acid and asparagine.

NM_000492.4(CFTR):c.2503G>A (p.Asp835Asn)

Gene: CFTR (CF transmembrane conductance regulator; plus strand). Cytogenetic location: 7q31.2.
Variant type: single nucleotide variant.
Coding change: c.2503G>A on transcript NM_000492.4 (MANE Select); coding-DNA position 2503, G replaced by A.
Protein change: p.Asp835Asn; replaces aspartic acid 835 with asparagine.
Molecular consequence: missense variant.
Genome position (GRCh38, 1-based): chr7:117,594,942, G>A. VCF-style: chr7-117594942-G-A. GRCh37 (hg19) VCF-style: chr7-117234996-G-A.
Other names: short protein forms D835N.
Identifiers: ClinVar variation 1472302 (VCV001472302.8), dbSNP rs2116039305, ClinGen allele CA368983819.